The following is an entry in ClinVar:

NM_172107.4(KCNQ2):c.802C>T (p.Leu268Phe)

Gene: KCNQ2 (potassium voltage-gated channel subfamily Q member 2; minus strand). Cytogenetic location: 20q13.33.
Variant type: single nucleotide variant.
Coding change: c.802C>T on transcript NM_172107.4 (MANE Select); coding-DNA position 802, C replaced by T.
Protein change: p.Leu268Phe; replaces leucine 268 with phenylalanine.
Molecular consequence: missense variant.
Genome position (GRCh38, 1-based): chr20:63,442,420, G>A on the plus strand (C>T on the coding strand, the complement: KCNQ2 is on the minus strand). VCF-style: chr20-63442420-G-A. GRCh37 (hg19) VCF-style: chr20-62073773-G-A.
Other names: c.802C>T, p.Leu268Phe (NM_004518.6, NM_172106.3, NM_172108.5 and 1 more transcripts); short protein forms L268F.
Identifiers: ClinVar variation 369763 (VCV000369763.44), dbSNP rs1057516094, ClinGen allele CA10654816.
Genomic context (GRCh38, chr20:63,442,420, plus strand): 5'-GGGTGTATCAGCAGGGAAAGGGAAAACCACAATGACCACAACTCACCAGGCCCCACCAGA[G>A]TGCATCCGCGTAGGTGTCAAAGTGGTCGTTCTCCCCCTTCTCTGCCAAGTACACCAGGAA-3'
Protein context (NP_742105.1, residues 258-278): NDHFDTYADA[Leu268Phe]WWGLITLTTI

ClinVar aggregate classification (germline): Pathogenic/Likely pathogenic. Review status: criteria provided, multiple submitters, no conflicts (2 of 4 stars). 5 submissions from 5 submitters: Pathogenic (2); Likely pathogenic (2). 1 of the submissions does not count toward it. Last evaluated 2024-08-19.

Conditions:
Epileptic encephalopathy. Identifiers: MedGen C0543888, HP:0200134.
Early-infantile DEE. Also called: Ohtahara syndrome; Early infantile epileptic encephalopathy with suppression bursts; Early infantile epileptic encephalopathy. Identifiers: Orphanet 1934, MedGen C0393706, MONDO:0800491.
Developmental and epileptic encephalopathy, 7 (DEE7). Also called: KCNQ2-Related Neonatal-Onset Developmental and Epileptic Encephalopathy (NEO-DEE); KCNQ2-Related Neonatal Epileptic Encephalopathy; Early infantile epileptic encephalopathy 7. Identifiers: Orphanet 439218, MedGen C3150986, MONDO:0013387, OMIM 613720.

Submissions (5):

GeneDx
Classification: Pathogenic. Last evaluated: 2024-08-19. Review status: criteria provided, single submitter. Criteria: GeneDx Variant Classification Process June 2021. Collection method: clinical testing. Allele origin: germline. Affected: yes.
Comment: Not observed at significant frequency in large population cohorts (gnomAD); In silico analysis supports that this missense variant has a deleterious effect on protein structure/function; This variant is associated with the following publications: (PMID: 25880994, 35584591, 27602407, 32179837)

Labcorp Genetics (formerly Invitae), Labcorp
Classification: Pathogenic for Early-infantile DEE. Last evaluated: 2024-07-27. Review status: criteria provided, single submitter. Criteria: Invitae Variant Classification Sherloc (09022015). Collection method: clinical testing. Allele origin: germline.
Comment: This sequence change replaces leucine, which is neutral and non-polar, with phenylalanine, which is neutral and non-polar, at codon 268 of the KCNQ2 protein (p.Leu268Phe). This variant is not present in population databases (gnomAD no frequency). This missense change has been observed in individual(s) with developmental and epileptic encephalopathy (PMID: 25880994). In at least one individual the variant was observed to be de novo. ClinVar contains an entry for this variant (Variation ID: 369763). Advanced modeling of protein sequence and biophysical properties (such as structural, functional, and spatial information, amino acid conservation, physicochemical variation, residue mobility, and thermodynamic stability) performed at Invitae indicates that this missense variant is expected to disrupt KCNQ2 protein function with a positive predictive value of 95%. Experimental studies have shown that this missense change affects KCNQ2 function (PMID: 32179837). This variant disrupts the p.Leu268 amino acid residue in KCNQ2. Other variant(s) that disrupt this residue have been determined to be pathogenic (PMID: 27535030; Invitae). This suggests that this residue is clinically significant, and that variants that disrupt this residue are likely to be disease-causing. For these reasons, this variant has been classified as Pathogenic.

CeGaT Center for Human Genetics Tuebingen
Classification: Likely pathogenic. Last evaluated: 2021-12-01. Review status: criteria provided, single submitter. Criteria: CeGaT Center For Human Genetics Tuebingen Variant Classification Criteria Version 2. Collection method: clinical testing. Allele origin: germline. Affected: yes. Observed: 1 variant allele.

Neurogenetics Laboratory - MEYER, AOU Meyer
Classification: Likely pathogenic for Epileptic encephalopathy. Last evaluated: 2016-11-16. Review status: criteria provided, single submitter. Criteria: ACMG Guidelines, 2015. Collection method: clinical testing. Allele origin: de novo. Affected: yes. Observed: 1 heterozygote.

GeneReviews
No classification provided. Condition: Developmental and epileptic encephalopathy, 7. Review status: no classification provided. Collection method: literature only. Allele origin: germline. Affected: yes. Not counted in ClinVar's aggregate classification.
Comment: EE (epileptic encephalopathy)

Literature cited by the submitters: PubMed 25880994 (cited by Labcorp Genetics (formerly Invitae), Labcorp and GeneReviews); PubMed 32179837 (cited by Labcorp Genetics (formerly Invitae), Labcorp); PubMed 27535030 (cited by Labcorp Genetics (formerly Invitae), Labcorp); NCBI Bookshelf NBK32534 (cited by GeneReviews).